The following is an entry in ClinVar:

ClinVar aggregate classification (germline): Likely pathogenic (1 of 4 stars; one submission).

Conditions:
Kabuki syndrome 1 (KABUK1). Also called: KMT2D-Related Kabuki Syndrome. Identifiers: Orphanet 2322, MedGen CN030661, MONDO:0007843, OMIM 147920.

Submission:

Rady Children's Institute for Genomic Medicine, Rady Children's Hospital San Diego
Classification: Likely pathogenic for KABUKI SYNDROME 1. Last evaluated: 2020-04-01. Review status: criteria provided, single submitter. Criteria: ACMG Guidelines, 2015. Collection method: clinical testing. Allele origin: germline. Affected: yes.
Comment: This variant has not been previously reported or functionally characterized in the literature to our knowledge. It is absent from the gnomAD population database and thus is presumed to be rare. The c.15275G>T (p.Cys5092Phe) variant affects a highly conserved amino acid and is predicted by multiple in silico tools to have a deleterious effect on protein function. Analysis of the parental samples was negative for the variant, indicating this variant likely occurred as a de novo event. Based on the available evidence, the c.15275G>T (p.Cys5092Phe) variant is classified as Likely Pathogenic.

NM_003482.4(KMT2D):c.15275G>T (p.Cys5092Phe)

Gene: KMT2D (lysine methyltransferase 2D; minus strand). Cytogenetic location: 12q13.12.
Variant type: single nucleotide variant.
Coding change: c.15275G>T on transcript NM_003482.4 (MANE Select); coding-DNA position 15275, G replaced by T.
Protein change: p.Cys5092Phe; replaces cysteine 5092 with phenylalanine.
Molecular consequence: missense variant.
Genome position (GRCh38, 1-based): chr12:49,026,691, C>A on the plus strand (G>T on the coding strand, the complement: KMT2D is on the minus strand). VCF-style: chr12-49026691-C-A. GRCh37 (hg19) VCF-style: chr12-49420474-C-A.
Other names: short protein forms C5092F.
Identifiers: ClinVar variation 984921 (VCV000984921.1), dbSNP rs1942609986, ClinGen allele CA384688813.